The following is an entry in ClinVar:

ClinVar aggregate classification (germline): Pathogenic (1 of 4 stars; one submission).

Conditions:
Leukocyte adhesion deficiency type II. Also called: CONGENITAL DISORDER OF GLYCOSYLATION, TYPE IIc; CDG IIc; Congenital disorder of glycosylation type 2C; CDG 2C; Leukocyte adhesion deficiency type 2; Rambam Hasharon syndrome. Identifiers: Orphanet 2968, Orphanet 99843, MedGen C0398739, MONDO:0009953, OMIM 266265.

Submission:

Labcorp Genetics (formerly Invitae), Labcorp
Classification: Pathogenic for Leukocyte adhesion deficiency type II. Last evaluated: 2022-03-15. Review status: criteria provided, single submitter. Criteria: Invitae Variant Classification Sherloc (09022015). Collection method: clinical testing. Allele origin: germline.
Comment: For these reasons, this variant has been classified as Pathogenic. This variant has not been reported in the literature in individuals affected with SLC35C1-related conditions. A gross deletion of the genomic region encompassing the full coding sequence of the SLC35C1 gene has been identified. Loss-of-function variants in SLC35C1 are known to be pathogenic (PMID: 16455955, 24403049). The boundaries of this event are unknown as they extend beyond the assayed region for this gene and therefore may encompass additional genes.

Literature cited by the submitters: PubMed 16455955; PubMed 24403049.

NC_000011.9:g.(?_45827353)_(47804770_?)del

Genes: MAPK8IP1 (mitogen-activated protein kinase 8 interacting protein 1; plus strand), HARBI1 (harbinger transposase derived 1; minus strand), PACSIN3 (protein kinase C and casein kinase substrate in neurons 3; minus strand), FREY1 (Frey regulator of sperm-oocyte fusion 1; minus strand), LARGE2 (LARGE xylosyl- and glucuronyltransferase 2; plus strand) and 37 more. Cytogenetic location: 11p11.2.
Variant type: Deletion.
Identifiers: ClinVar variation 2426467 (VCV002426467.5).